The following is an entry in ClinVar:

ClinVar aggregate classification (germline): Uncertain significance (1 of 4 stars; one submission).

Submission:

Labcorp Genetics (formerly Invitae), Labcorp
Classification: Uncertain significance. Last evaluated: 2025-08-02. Review status: criteria provided, single submitter. Criteria: Invitae Variant Classification Sherloc (09022015). Collection method: clinical testing. Allele origin: germline.
Comment: This sequence change replaces serine, which is neutral and polar, with tyrosine, which is neutral and polar, at codon 497 of the POLE protein (p.Ser497Tyr). This variant is not present in population databases (gnomAD no frequency). This variant has not been reported in the literature in individuals affected with POLE-related conditions. Invitae Evidence Modeling of protein sequence and biophysical properties (such as structural, functional, and spatial information, amino acid conservation, physicochemical variation, residue mobility, and thermodynamic stability) indicates that this missense variant is expected to disrupt POLE protein function with a positive predictive value of 80%. In summary, the available evidence is currently insufficient to determine the role of this variant in disease. Therefore, it has been classified as a Variant of Uncertain Significance.

NM_006231.4(POLE):c.1490C>A (p.Ser497Tyr)

Gene: POLE (DNA polymerase epsilon, catalytic subunit; minus strand). Cytogenetic location: 12q24.33.
Variant type: single nucleotide variant.
Coding change: c.1490C>A on transcript NM_006231.4 (MANE Select); coding-DNA position 1490, C replaced by A.
Protein change: p.Ser497Tyr; replaces serine 497 with tyrosine.
Molecular consequence: missense variant.
Genome position (GRCh38, 1-based): chr12:132,672,823, G>T on the plus strand (C>A on the coding strand, the complement: POLE is on the minus strand). VCF-style: chr12-132672823-G-T. GRCh37 (hg19) VCF-style: chr12-133249409-G-T.
Other names: short protein forms S497Y.
Identifiers: ClinVar variation 4740263 (VCV004740263.1).